The following is an entry in ClinVar:

NM_001110556.2(FLNA):c.3208-5del

Gene: FLNA (filamin A; minus strand). Cytogenetic location: Xq28.
Variant type: Deletion.
Coding change: c.3208-5del on transcript NM_001110556.2 (MANE Select); 5 bases into the intron before coding-DNA position 3208, one base deleted (C; older notation c.3208-5delC).
Molecular consequence: intron variant.
Genome position (GRCh38, 1-based): chrX:154,360,592, G deleted on the plus strand (C on the coding strand, the reverse complement: FLNA is on the minus strand); the first of 3 consecutive G bases (chrX:154,360,592-154,360,594); deleting any one gives the same sequence. VCF-style (leftmost placement, unchanged base first): chrX-154360591-AG-A. GRCh37 (hg19) VCF-style: chrX-153588959-AG-A.
Other names: c.3208-5delC (NM_001456.3, NM_001110556.2); c.3208-5del (NM_001456.4).
Identifiers: ClinVar variation 213444 (VCV000213444.10), dbSNP rs781907036, ClinGen allele CA322898.

ClinVar aggregate classification (germline): Conflicting classifications of pathogenicity. Review status: criteria provided, conflicting classifications (1 of 4 stars). 4 submissions from 4 submitters: Uncertain significance (1); Benign (1); Likely benign (2). Last evaluated 2025-11-24.

Conditions:
Oto-palato-digital syndrome, type II (OPD2). Also called: Otopalatodigital Syndrome, Type II; FACIOPALATOOSSEOUS SYNDROME; OPD II SYNDROME; Otopalatodigital Syndrome Type 2 (FLNA-OPD2). Identifiers: Orphanet 669, Orphanet 90652, MedGen C1844696, MONDO:0010571, OMIM 304120.
Frontometaphyseal dysplasia (FMD1). Identifiers: Orphanet 1826, MedGen C0265293, MONDO:0015942.
Heterotopia, periventricular, X-linked dominant (PVNH1). Also called: PERIVENTRICULAR NODULAR HETEROTOPIA 1; X-linked periventricular heterotopia; PERIVENTRICULAR NODULAR HETEROTOPIA 4; HETEROTOPIA, PERIVENTRICULAR, 1. Identifiers: Orphanet 2149, Orphanet 82004, MedGen C1848213, MONDO:0010233, OMIM 300049.
Melnick-Needles syndrome (MNS). Also called: MELNICK-NEEDLES OSTEODYSPLASTY; OSTEODYSPLASTY OF MELNICK AND NEEDLES; Melnick-Needles Syndrome (FLNA-MNS). Identifiers: Orphanet 2484, MedGen C0025237, MONDO:0010650, OMIM 309350.
Familial thoracic aortic aneurysm and aortic dissection (TAAD). Also called: Thoracic aortic aneurysms and dissections. Identifiers: Orphanet 91387, MedGen C4707243, MONDO:0019625.

Submissions (4):

Ambry Genetics
Classification: Uncertain significance for Familial thoracic aortic aneurysm and aortic dissection. Last evaluated: 2025-11-24. Review status: criteria provided, single submitter. Criteria: Ambry Variant Classification Scheme 2023. Collection method: clinical testing. Allele origin: germline.
Comment: The c.3208-5delC intronic variant, located in intron 20 of the FLNA gene, results from a deletion of one nucleotide within intron 20 of the FLNA gene. Based on data from gnomAD, the allele has an overall frequency of 0.001243% (2/160860) total alleles studied, with 1 hemizygote(s) observed. The highest observed frequency was 0.0028% (2/71127) of European (non-Finnish) alleles. This nucleotide position is well conserved in available vertebrate species. In silico splice site analysis predicts that this alteration will not have any significant effect on splicing. Based on the available evidence, the clinical significance of this variant remains unclear.

Labcorp Genetics (formerly Invitae), Labcorp
Classification: Likely benign for Oto-palato-digital syndrome, type II; Heterotopia, periventricular, X-linked dominant; Frontometaphyseal dysplasia; Melnick-Needles syndrome. Last evaluated: 2025-06-27. Review status: criteria provided, single submitter. Criteria: Invitae Variant Classification Sherloc (09022015). Collection method: clinical testing. Allele origin: germline.

Women's Health and Genetics/Laboratory Corporation of America, LabCorp
Classification: Likely benign. Last evaluated: 2025-04-23. Review status: criteria provided, single submitter. Criteria: LabCorp Variant Classification Summary - May 2015. Collection method: clinical testing. Allele origin: germline.
Comment: Variant summary: FLNA c.3208-5delC alters a non-conserved nucleotide located at a position not widely known to affect splicing. Consensus agreement among computation tools predict no significant impact on normal splicing. However, these predictions have yet to be confirmed by functional studies. The variant allele was found at a frequency of 1.2e-05 in 160860 control chromosomes. The available data on variant occurrences in the general population are insufficient to allow any conclusion about variant significance. To our knowledge, no occurrence of c.3208-5delC in individuals affected with FLNA-related conditions and no experimental evidence demonstrating its impact on protein function have been reported. ClinVar contains an entry for this variant (Variation ID: 213444). Based on the evidence outlined above, the variant was classified as likely benign.

GeneDx
Classification: Benign. Last evaluated: 2015-05-22. Review status: criteria provided, single submitter. Criteria: GeneDx Variant Classification (06012015). Collection method: clinical testing. Allele origin: germline. Affected: yes.
Comment: This variant was found in TAADV2-PANCARD,TAADV2-1